The following is an entry in ClinVar:

NM_023110.3(FGFR1):c.1855-3C>T

Gene: FGFR1 (fibroblast growth factor receptor 1; minus strand). Cytogenetic location: 8p11.23.
Variant type: single nucleotide variant.
Coding change: c.1855-3C>T on transcript NM_023110.3 (MANE Select); 3 bases into the intron before coding-DNA position 1855, C replaced by T.
Molecular consequence: intron variant.
Genome position (GRCh38, 1-based): chr8:38,414,904, G>A on the plus strand (C>T on the coding strand, the complement: FGFR1 is on the minus strand). VCF-style: chr8-38414904-G-A. GRCh37 (hg19) VCF-style: chr8-38272422-G-A.
Other names: c.1576-3C>T (NM_001354368.2); c.1582-3C>T (NM_001354370.2, NM_023106.3); c.1588-3C>T (NM_023105.3, NM_001174066.2); c.1849-3C>T (NM_001354367.2, NM_015850.4, NM_001174063.2 and 1 more transcripts); c.1825-3C>T (NM_001174064.2); c.1843-3C>T (NM_001354369.2, NM_001410922.1); c.1948-3C>T (NM_001174067.2).
Identifiers: ClinVar variation 3752461 (VCV003752461.2).
Genomic context (GRCh38, chr8:38,414,904, plus strand): 5'-TCATCACATTGTCCTCTGTCACCAGGACATTCCTGGCTGCCAGGTCTCGGTGTATGCACT[G>A]AGGAAGGAGGAAGGGAGAGCGGGAGGCGGGGAGGTGAGGGAGCTGGAAGGCTCTGGGCGG-3'

ClinVar aggregate classification (germline): Uncertain significance (1 of 4 stars; one submission).

Conditions:
Pfeiffer syndrome (ACS5). Also called: ACS V. Identifiers: Orphanet 710, MedGen C0220658, MONDO:0007043, OMIM 101600.
Hypogonadotropic hypogonadism 2 with or without anosmia (HH2). Also called: FGFR1-Related GnRH Deficiency (Kallmann Syndrome 2); HYPOGONADOTROPIC HYPOGONADISM 2 WITH OR WITHOUT ANOSMIA, SUSCEPTIBILITY TO; HYPOGONADOTROPIC HYPOGONADISM 2 WITHOUT ANOSMIA; HYPOGONADOTROPIC HYPOGONADISM 2 WITHOUT ANOSMIA, SUSCEPTIBILITY TO. Identifiers: Orphanet 478, MedGen C1563720, MONDO:0007844, OMIM 147950. Disease mechanism: loss of function.

Submission:

Labcorp Genetics (formerly Invitae), Labcorp
Classification: Uncertain significance for Pfeiffer syndrome; Hypogonadotropic hypogonadism 2 with or without anosmia. Last evaluated: 2024-02-17. Review status: criteria provided, single submitter. Criteria: Invitae Variant Classification Sherloc (09022015). Collection method: clinical testing. Allele origin: germline.
Comment: This sequence change falls in intron 13 of the FGFR1 gene. It does not directly change the encoded amino acid sequence of the FGFR1 protein. It affects a nucleotide within the consensus splice site. This variant is not present in population databases (gnomAD no frequency). This variant has not been reported in the literature in individuals affected with FGFR1-related conditions. Variants that disrupt the consensus splice site are a relatively common cause of aberrant splicing (PMID: 17576681, 9536098). Algorithms developed to predict the effect of sequence changes on RNA splicing suggest that this variant is not likely to affect RNA splicing. In summary, the available evidence is currently insufficient to determine the role of this variant in disease. Therefore, it has been classified as a Variant of Uncertain Significance.

Literature cited by the submitters: PubMed 17576681; PubMed 9536098.